The following is an entry in ClinVar:

NM_000548.5(TSC2):c.4758C>A (p.Asp1586Glu)

Gene: TSC2 (TSC complex subunit 2; plus strand). Cytogenetic location: 16p13.3.
Variant type: single nucleotide variant.
Coding change: c.4758C>A on transcript NM_000548.5 (MANE Select); coding-DNA position 4758, C replaced by A.
Protein change: p.Asp1586Glu; replaces aspartic acid 1586 with glutamic acid.
Molecular consequence: missense variant.
Genome position (GRCh38, 1-based): chr16:2,086,288, C>A. VCF-style: chr16-2086288-C-A. GRCh37 (hg19) VCF-style: chr16-2136289-C-A.
Other names: c.4557C>A, p.Asp1519Glu (NM_001077183.3); c.4689C>A, p.Asp1563Glu (NM_001114382.3); c.4449C>A, p.Asp1483Glu (NM_001318827.2); c.4413C>A, p.Asp1471Glu (NM_001318829.2); c.4026C>A, p.Asp1342Glu (NM_001318831.2); c.4590C>A, p.Asp1530Glu (NM_001318832.2); c.4560C>A, p.Asp1520Glu (NM_001363528.2); c.4626C>A, p.Asp1542Glu (NM_001370404.1); and 1 more; short protein forms D1586E, D1471E, D1520E, D1563E, D1483E, D1542E, D1342E, D1519E.
Identifiers: ClinVar variation 589792 (VCV000589792.19), dbSNP rs1366814192, ClinGen allele CA394307814.

ClinVar aggregate classification (germline): Uncertain significance. Review status: criteria provided, multiple submitters, no conflicts (2 of 4 stars). 5 submissions from 5 submitters: Uncertain significance (5). Last evaluated 2025-07-10.

Conditions:
Isolated focal cortical dysplasia type II (FCORD2). Also called: Focal cortical dysplasia type II; CORTICAL DYSPLASIA OF TAYLOR. Identifiers: Orphanet 268994, MedGen C1846385, MONDO:0011818, OMIM 607341, HP:0032051.
Tuberous sclerosis 2 (TSC2). Identifiers: Orphanet 805, MedGen C1860707, MONDO:0013199, OMIM 613254.
Hereditary cancer-predisposing syndrome. Also called: Neoplastic Syndromes, Hereditary; Hereditary neoplastic syndrome; Hereditary Cancer Syndrome; Tumor predisposition. Identifiers: Orphanet 140162, MedGen C0027672, MeSH D009386, MONDO:0015356.

Submissions (5):

Ambry Genetics
Classification: Uncertain significance for Hereditary cancer-predisposing syndrome. Last evaluated: 2025-07-10. Review status: criteria provided, single submitter. Criteria: Ambry Variant Classification Scheme 2023. Collection method: clinical testing. Allele origin: germline.
Comment: The p.D1586E variant (also known as c.4758C>A), located in coding exon 36 of the TSC2 gene, results from a C to A substitution at nucleotide position 4758. The aspartic acid at codon 1586 is replaced by glutamic acid, an amino acid with highly similar properties. This amino acid position is well conserved in available vertebrate species. In addition, this alteration is predicted to be deleterious by in silico analysis. Based on the available evidence, the clinical significance of this variant remains unclear.

Labcorp Genetics (formerly Invitae), Labcorp
Classification: Uncertain significance for Tuberous sclerosis 2. Last evaluated: 2024-10-22. Review status: criteria provided, single submitter. Criteria: Invitae Variant Classification Sherloc (09022015). Collection method: clinical testing. Allele origin: germline.
Comment: This sequence change replaces aspartic acid, which is acidic and polar, with glutamic acid, which is acidic and polar, at codon 1586 of the TSC2 protein (p.Asp1586Glu). This variant is not present in population databases (gnomAD no frequency). This variant has not been reported in the literature in individuals affected with TSC2-related conditions. ClinVar contains an entry for this variant (Variation ID: 589792). Invitae Evidence Modeling of protein sequence and biophysical properties (such as structural, functional, and spatial information, amino acid conservation, physicochemical variation, residue mobility, and thermodynamic stability) indicates that this missense variant is not expected to disrupt TSC2 protein function with a negative predictive value of 95%. In summary, the available evidence is currently insufficient to determine the role of this variant in disease. Therefore, it has been classified as a Variant of Uncertain Significance.

Baylor Genetics
Classification: Uncertain significance for Isolated focal cortical dysplasia type II. Last evaluated: 2023-10-02. Review status: criteria provided, single submitter. Criteria: ACMG Guidelines, 2015. Collection method: clinical testing. Allele origin: unknown.

Genome-Nilou Lab
Classification: Uncertain significance for Tuberous sclerosis 2. Last evaluated: 2021-11-07. Review status: criteria provided, single submitter. Criteria: ACMG Guidelines, 2015. Collection method: clinical testing. Allele origin: germline. Affected: no.

New York Genome Center
Classification: Uncertain significance for Tuberous sclerosis 2. Last evaluated: 2021-08-27. Review status: criteria provided, single submitter. Criteria: NYGC Assertion Criteria 2020. Collection method: clinical testing. Allele origin: inherited. Observed: 1 heterozygote. Study: CSER-NYCKidSeq.
Comment: The inherited heterozygous c.4758C>A (p.Asp1586Glu) missense variant identified in the TSC2 gene has not been reported in affected individuals in the literature. The variant is absent from gnomAD(v3) database suggesting it is not a common benign variant in the populations represented in thatdatabase. This variant has been reported in the ClinVar database as variant of uncertain significance [Variation ID:589792]. The variant is located within Rap/ran-GAPdomain (UniProtKB - P49815), affects an evolutionarily conserved residue and is predicted deleterious by multiple in silico prediction tools (CADD score = 26, REVELscore = 0.75). Given the lack of functional studies and no reports of affected individuals in the literature, the inherited heterozygous c.4758C>A(p.Asp1586Glu) missense variant identified in TSC2 gene is reported as a Variant of Uncertain Significance.